The following is an entry in ClinVar:

NM_007078.3(LDB3):c.2135A>G (p.Lys712Arg)

Gene: LDB3 (LIM domain binding 3; plus strand). Cytogenetic location: 10q23.2.
Variant type: single nucleotide variant.
Coding change: c.2135A>G on transcript NM_007078.3 (MANE Select); coding-DNA position 2135, A replaced by G.
Protein change: p.Lys712Arg; replaces lysine 712 with arginine.
Molecular consequence: missense variant.
Genome position (GRCh38, 1-based): chr10:86,732,927, A>G. VCF-style: chr10-86732927-A-G. GRCh37 (hg19) VCF-style: chr10-88492684-A-G.
Other names: c.1805A>G, p.Lys602Arg (NM_001080114.2); c.2150A>G, p.Lys717Arg (NM_001171610.2); c.1946A>G, p.Lys649Arg (NM_001368064.1, NM_001368065.1); c.1994A>G, p.Lys665Arg (NM_001368066.1); c.2135A>G (NM_007078.2); short protein forms K665R, K712R, K602R, K649R, K717R.
Identifiers: ClinVar variation 1501787 (VCV001501787.9), dbSNP rs1451712853, ClinGen allele CA377460310.

ClinVar aggregate classification (germline): Uncertain significance. Review status: criteria provided, multiple submitters, no conflicts (2 of 4 stars). 2 submissions from 2 submitters: Uncertain significance (2). Last evaluated 2024-03-28.

Conditions:
Myofibrillar myopathy 4. Also called: Zaspopathy (type). Identifiers: Orphanet 98912, MedGen C4721886, MONDO:0012277, OMIM 609452.
Cardiovascular phenotype. Identifiers: MedGen CN230736.

Allele frequency attached by ClinVar (database versions not stated): gnomAD exomes below 0.00001; TOPMed below 0.00001; gnomAD 0.00001.
gnomAD v4.1: 2 of 1,613,866 alleles (0.00012%); highest among the groups gnomAD compares: Admixed American, 0.0017%; no homozygotes.

Submissions (2):

Labcorp Genetics (formerly Invitae), Labcorp
Classification: Uncertain significance for Myofibrillar myopathy 4. Last evaluated: 2024-03-28. Review status: criteria provided, single submitter. Criteria: Invitae Variant Classification Sherloc (09022015). Collection method: clinical testing. Allele origin: germline.
Comment: The LDB3 gene has multiple clinically relevant transcripts. This variant occurs in alternate transcript NM_007078.3, and corresponds to NM_001080116.1:c.*33553A>G in the primary transcript. This sequence change replaces lysine, which is basic and polar, with arginine, which is basic and polar, at codon 712 of the LDB3 protein (p.Lys712Arg). This variant is present in population databases (no rsID available, gnomAD 0.1%). This variant has not been reported in the literature in individuals affected with LDB3-related conditions. In summary, the available evidence is currently insufficient to determine the role of this variant in disease. Therefore, it has been classified as a Variant of Uncertain Significance.

Ambry Genetics
Classification: Uncertain significance for Cardiovascular phenotype. Last evaluated: 2023-11-10. Review status: criteria provided, single submitter. Criteria: Ambry Variant Classification Scheme 2023. Collection method: clinical testing. Allele origin: germline.
Comment: The p.K712R variant (also known as c.2135A>G), located in coding exon 13 of the LDB3 gene, results from an A to G substitution at nucleotide position 2135. The lysine at codon 712 is replaced by arginine, an amino acid with highly similar properties. This amino acid position is conserved. In addition, the in silico prediction for this alteration is inconclusive. Since supporting evidence is limited at this time, the clinical significance of this alteration remains unclear.